The following is an entry in ClinVar:

NM_005172.2(ATOH1):c.642G>A (p.Leu214=)

Gene: ATOH1 (atonal bHLH transcription factor 1; plus strand). Cytogenetic location: 4q22.2.
Variant type: single nucleotide variant.
Coding change: c.642G>A on transcript NM_005172.2 (MANE Select); coding-DNA position 642, G replaced by A.
Protein change: p.Leu214=; no amino-acid change (leucine 214 retained).
Molecular consequence: synonymous variant.
Genome position (GRCh38, 1-based): chr4:93,829,568, G>A. VCF-style: chr4-93829568-G-A. GRCh37 (hg19) VCF-style: chr4-94750719-G-A.
Identifiers: ClinVar variation 4978901 (VCV004978901.1).

ClinVar aggregate classification (germline): Likely benign (1 of 4 stars; one submission).

Conditions:
ATOH1-related disorder. Also called: ATOH1-related condition.

Submission:

PreventionGenetics, part of Exact Sciences
Classification: Likely benign for ATOH1-related condition. Last evaluated: 2026-05-27. Review status: criteria provided, single submitter. Criteria: ACMG Guidelines, 2015. Collection method: clinical testing. Allele origin: germline.
Comment: This variant is classified as likely benign based on ACMG/AMP sequence variant interpretation guidelines (Richards et al. 2015 PMID: 25741868, with internal and published modifications).